The following is an entry in ClinVar:

NM_000321.3(RB1):c.1791G>C (p.Gln597His)

Gene: RB1 (RB transcriptional corepressor 1; plus strand). Cytogenetic location: 13q14.2.
Variant type: single nucleotide variant.
Coding change: c.1791G>C on transcript NM_000321.3 (MANE Select); coding-DNA position 1791, G replaced by C.
Protein change: p.Gln597His; replaces glutamine 597 with histidine.
Molecular consequence: missense variant.
Genome position (GRCh38, 1-based): chr13:48,453,088, G>C. VCF-style: chr13-48453088-G-C. GRCh37 (hg19) VCF-style: chr13-49027224-G-C.
Other names: c.1791G>C, p.Gln597His (NM_001407165.1); short protein forms Q597H.
Identifiers: ClinVar variation 4151174 (VCV004151174.1).

ClinVar aggregate classification (germline): Uncertain significance (1 of 4 stars; one submission).

Conditions:
Hereditary cancer-predisposing syndrome. Also called: Hereditary neoplastic syndrome; Neoplastic Syndromes, Hereditary; Tumor predisposition; Hereditary Cancer Syndrome. Identifiers: Orphanet 140162, MedGen C0027672, MeSH D009386, MONDO:0015356.

Submission:

Ambry Genetics
Classification: Uncertain significance for Hereditary cancer-predisposing syndrome. Last evaluated: 2025-06-16. Review status: criteria provided, single submitter. Criteria: Ambry Variant Classification Scheme 2023. Collection method: clinical testing. Allele origin: germline.
Comment: The p.Q597H variant (also known as c.1791G>C), located in coding exon 18 of the RB1 gene, results from a G to C substitution at nucleotide position 1791. The glutamine at codon 597 is replaced by histidine, an amino acid with highly similar properties. This amino acid position is highly conserved in available vertebrate species. In addition, this alteration is predicted to be deleterious by in silico analysis. Based on the available evidence, the clinical significance of this variant remains unclear.